The following is an entry in ClinVar:

NM_001606.5(ABCA2):c.746G>A (p.Arg249Gln)

Gene: ABCA2 (ATP binding cassette subfamily A member 2; minus strand). Cytogenetic location: 9q34.3.
Variant type: single nucleotide variant.
Coding change: c.746G>A on transcript NM_001606.5 (MANE Select); coding-DNA position 746, G replaced by A.
Protein change: p.Arg249Gln; replaces arginine 249 with glutamine.
Molecular consequence: missense variant.
Genome position (GRCh38, 1-based): chr9:137,021,543, C>T on the plus strand (G>A on the coding strand, the complement: ABCA2 is on the minus strand). VCF-style: chr9-137021543-C-T. GRCh37 (hg19) VCF-style: chr9-139915995-C-T.
Other names: c.836G>A, p.Arg279Gln (NM_212533.3); short protein forms R249Q, R279Q.
Identifiers: ClinVar variation 1022965 (VCV001022965.11), dbSNP rs752675380, ClinGen allele CA5355675.

ClinVar aggregate classification (germline): Uncertain significance. Review status: criteria provided, multiple submitters, no conflicts (2 of 4 stars). 4 submissions from 4 submitters: Uncertain significance (4). Last evaluated 2024-04-01.

Allele frequency attached by ClinVar (database versions not stated): gnomAD exomes 0.00001 and 0.00003; ExAC 0.00004; gnomAD 0.00005 and 0.00006; TOPMed 0.00008.
gnomAD v4.1: 23 of 1,592,864 alleles (0.0014%); highest among the groups gnomAD compares: African/African-American, 0.011%; no homozygotes.

Submissions (4):

Ambry Genetics
Classification: Uncertain significance. Last evaluated: 2024-04-01. Review status: criteria provided, single submitter. Criteria: Ambry Variant Classification Scheme 2023. Collection method: clinical testing. Allele origin: germline.

Women's Health and Genetics/Laboratory Corporation of America, LabCorp
Classification: Uncertain significance. Last evaluated: 2022-06-08. Review status: criteria provided, single submitter. Criteria: LabCorp Variant Classification Summary - May 2015. Collection method: clinical testing. Allele origin: germline.
Comment: Variant summary: ABCA2 c.836G>A (p.Arg279Gln) results in a conservative amino acid change in the encoded protein sequence. Five of five in-silico tools predict a benign effect of the variant on protein function. The variant allele was found at a frequency of 3e-05 in 203000 control chromosomes. The available data on variant occurrences in the general population are insufficient to allow any conclusion about variant significance. To our knowledge, no occurrence of c.836G>A in individuals affected with Intellectual Developmental Disorder With Poor Growth And With Or Without Seizures Or Ataxia and no experimental evidence demonstrating its impact on protein function have been reported. One clinical diagnostic laboratory has submitted clinical-significance assessments for this variant to ClinVar after 2014 and classified the variant as uncertain significance. Based on the evidence outlined above, the variant was classified as uncertain significance.

GeneDx
Classification: Uncertain significance. Last evaluated: 2022-03-30. Review status: criteria provided, single submitter. Criteria: GeneDx Variant Classification Process June 2021. Collection method: clinical testing. Allele origin: germline. Affected: yes.
Comment: In silico analysis supports that this missense variant does not alter protein structure/function; Has not been previously published as pathogenic or benign to our knowledge

Labcorp Genetics (formerly Invitae), Labcorp
Classification: Uncertain significance. Last evaluated: 2020-09-28. Review status: criteria provided, single submitter. Criteria: Invitae Variant Classification Sherloc (09022015). Collection method: clinical testing. Allele origin: germline.
Comment: This sequence change replaces arginine with glutamine at codon 279 of the ABCA2 protein (p.Arg279Gln). The arginine residue is moderately conserved and there is a small physicochemical difference between arginine and glutamine. This variant is present in population databases (rs752675380, ExAC 0.03%). This variant has not been reported in the literature in individuals with ABCA2-related conditions. Experimental studies and prediction algorithms are not available or were not evaluated, and the functional significance of this variant is currently unknown. In summary, the available evidence is currently insufficient to determine the role of this variant in disease. Therefore, it has been classified as a Variant of Uncertain Significance.